The following is an entry in ClinVar:

NM_001164496.2(CFAP44):c.2616del (p.Leu873fs)

Genes: CFAP44 (cilia and flagella associated protein 44; minus strand), SPICE1-CFAP44 (SPICE1-CFAP44 readthrough (NMD candidate); minus strand). Cytogenetic location: 3q13.2.
Variant type: Deletion.
Coding change: c.2616del on transcript NM_001164496.2 (MANE Select); coding-DNA position 2616, one base deleted (C; older notation c.2616delC).
Protein change: p.Leu873fs; shifts the reading frame from leucine 873.
Molecular consequence: frameshift variant. On other transcripts: non-coding transcript variant (5).
Genome position (GRCh38, 1-based): chr3:113,366,138, G deleted on the plus strand (C on the coding strand, the reverse complement: CFAP44 is on the minus strand). VCF-style (leftmost placement, unchanged base first): chr3-113366137-AG-A. GRCh37 (hg19) VCF-style: chr3-113084984-AG-A.
Other names: c.2616del, p.Leu873fs (NM_018338.3); short protein forms L873fs.
Identifiers: ClinVar variation 2632408 (VCV002632408.1), dbSNP rs1932931896, ClinGen allele CA2497040165.
Genomic context (GRCh38, chr3:113,366,137, plus strand): 5'-GCATAAATTCAGAAAAAATGTTGAAAACAAAGATATTGCCATCTGCTCCAGCAGTCACCA[AG>A]AAACGATCATCAAAGCTATTAGCAATACTTTTAATACATCCATAATTATTGTCATGCATA-3'

ClinVar aggregate classification (germline): Likely pathogenic (1 of 4 stars; one submission).

Conditions:
CFAP44-related disorder. Also called: CFAP44-related condition.

Allele frequency attached by ClinVar (database versions not stated): gnomAD exomes below 0.00001; TOPMed 0.00002.

Submission:

PreventionGenetics, part of Exact Sciences
Classification: Likely pathogenic for CFAP44-related condition. Last evaluated: 2023-06-17. Review status: criteria provided, single submitter. Criteria: ACMG Guidelines, 2015. Collection method: clinical testing. Allele origin: germline.
Comment: The CFAP44 c.2616delC variant is predicted to result in a frameshift and premature protein termination (p.Leu873Trpfs*2). To our knowledge, this variant has not been reported in the literature or in a large population database, indicating this variant is rare. Frameshift variants in CFAP44 are expected to be pathogenic. This variant is interpreted as likely pathogenic.